The following is an entry in ClinVar:

NM_004621.6(TRPC6):c.1128+165T>C

Gene: TRPC6 (transient receptor potential cation channel subfamily C member 6; minus strand). Cytogenetic location: 11q22.1.
Variant type: single nucleotide variant.
Coding change: c.1128+165T>C on transcript NM_004621.6 (MANE Select); 165 bases into the intron after coding-DNA position 1128, T replaced by C.
Molecular consequence: intron variant.
Genome position (GRCh38, 1-based): chr11:101,491,391, A>G on the plus strand (T>C on the coding strand, the complement: TRPC6 is on the minus strand). VCF-style: chr11-101491391-A-G. GRCh37 (hg19) VCF-style: chr11-101362122-A-G.
Identifiers: ClinVar variation 1686748 (VCV001686748.2), dbSNP rs556024979, ClinGen allele CA227525051.

ClinVar aggregate classification (germline): Likely benign (1 of 4 stars; one submission).

Allele frequency attached by ClinVar (database versions not stated): gnomAD exomes 0.00042; gnomAD 0.00418 and 0.00440; TOPMed 0.00469; 1000 Genomes Project 0.00519; 1000 Genomes Project 30x 0.00687.
gnomAD v4.1: 908 of 792,246 alleles (0.11%); highest among the groups gnomAD compares: African/African-American, 1.4%; 8 homozygotes.

Submission:

GeneDx
Classification: Likely benign. Last evaluated: 2021-11-20. Review status: criteria provided, single submitter. Criteria: GeneDx Variant Classification Process June 2021. Collection method: clinical testing. Allele origin: germline. Affected: yes.
Comment: See Variant Classification Assertion Criteria.